The following is an entry in ClinVar:

NM_000500.9(CYP21A2):c.254del (p.Lys85fs)

Genes: CYP21A2 (cytochrome P450 family 21 subfamily A member 2; plus strand), LOC106780800 (CYP21A2 recombination region; plus strand). Cytogenetic location: 6p21.33.
Variant type: Deletion.
Coding change: c.254del on transcript NM_000500.9 (MANE Select); coding-DNA position 254, one base deleted (A; older notation c.254delA).
Protein change: p.Lys85fs; shifts the reading frame from lysine 85.
Molecular consequence: frameshift variant. On other transcripts: 5 prime UTR variant (1), intron variant (2).
Genome position (GRCh38, 1-based): chr6:32,038,773, A deleted; the last of 5 consecutive A bases (chr6:32,038,769-32,038,773); deleting any one gives the same sequence. VCF-style (leftmost placement, unchanged base first): chr6-32038768-CA-C. GRCh37 (hg19) VCF-style: chr6-32006545-CA-C.
Other names: c.-171del (NM_001368143.2); c.-133+149del (NM_001368144.2); c.202+149del (NM_001128590.4); short protein forms K85fs.
Identifiers: ClinVar variation 623477 (VCV000623477.1), dbSNP rs1582300748, ClinGen allele CA915944182.

ClinVar aggregate classification (germline): Likely pathogenic (0 of 4 stars; one submission).

Conditions:
21-Hydroxylase-Deficient Congenital Adrenal Hyperplasia. Also called: ADRENAL HYPERPLASIA III; ADRENAL HYPERPLASIA, CONGENITAL, DUE TO 21-HYDROXYLASE DEFICIENCY. Identifiers: MedGen C2936858, OMIM 201910.

Submission:

Department of Pediatric Endocrinology, Cukurova University Medical Faculty
Classification: Likely pathogenic for 21-Hydroxylase-Deficient Congenital Adrenal Hyperplasia. Review status: no assertion criteria provided. Collection method: clinical testing. Allele origin: maternal. Inheritance: Autosomal recessive inheritance. Affected: yes. Observed: 1 compound heterozygote.
Comment: NM_000500.9:c.254del was detected in trans with p.Ile173Asn (pathogenic).